The following is an entry in ClinVar:

ClinVar aggregate classification (germline): Likely benign (1 of 4 stars; one submission).

Submission:

GeneDx
Classification: Likely benign. Last evaluated: 2016-07-21. Review status: criteria provided, single submitter. Criteria: GeneDx Variant Classification (06012015). Collection method: clinical testing. Allele origin: germline. Affected: yes.
Comment: This variant is considered likely benign or benign based on one or more of the following criteria: it is a conservative change, it occurs at a poorly conserved position in the protein, it is predicted to be benign by multiple in silico algorithms, and/or has population frequency not consistent with disease.

NM_007194.4(CHEK2):c.792+19C>G

Gene: CHEK2 (checkpoint kinase 2; minus strand). Cytogenetic location: 22q12.1.
Variant type: single nucleotide variant.
Coding change: c.792+19C>G on transcript NM_007194.4 (MANE Select); 19 bases into the intron after coding-DNA position 792, C replaced by G.
Molecular consequence: intron variant.
Genome position (GRCh38, 1-based): chr22:28,711,890, G>C on the plus strand (C>G on the coding strand, the complement: CHEK2 is on the minus strand). VCF-style: chr22-28711890-G-C. GRCh37 (hg19) VCF-style: chr22-29107878-G-C.
Other names: c.129+19C>G (NM_001437942.1, NM_001257387.3); c.591+19C>G (NM_001349956.3); c.792+19C>G (NM_145862.3); c.885+19C>G (NM_001438295.1, NM_001438293.1); c.921+19C>G (NM_001438294.1, NM_001005735.3).
Identifiers: ClinVar variation 387953 (VCV000387953.1), dbSNP rs1057522960, ClinGen allele CA16609087.
Genomic context (GRCh38, chr22:28,711,890, plus strand): 5'-AAATCATCAATCTAAGATTATTTTGGGAAGTTATGAAGACGTGTTAATAAAAGGTGATCA[G>C]CCTTTTATTGGTACTTACTGCCTCTCTTGCTGAACCAATAGCAAACTTCCTTTTGCTGAT-3'